The following is an entry in ClinVar:

ClinVar aggregate classification (germline): Uncertain significance (1 of 4 stars; one submission).

Conditions:
Idiopathic generalized epilepsy. Also called: Generalised epilepsy; EIG. Identifiers: MedGen C0270850, MONDO:0005579, OMIM 600669.

Allele frequency attached by ClinVar (database versions not stated): gnomAD 0.00001; TOPMed 0.00002.
gnomAD v4.1: 16 of 1,608,638 alleles (0.00099%); highest among the groups gnomAD compares: South Asian, 0.0066%; no homozygotes.

Submission:

Labcorp Genetics (formerly Invitae), Labcorp
Classification: Uncertain significance for Idiopathic generalized epilepsy. Last evaluated: 2024-10-23. Review status: criteria provided, single submitter. Criteria: Invitae Variant Classification Sherloc (09022015). Collection method: clinical testing. Allele origin: germline.
Comment: This sequence change replaces proline, which is neutral and non-polar, with leucine, which is neutral and non-polar, at codon 384 of the GABRD protein (p.Pro384Leu). This variant is present in population databases (rs764066786, gnomAD 0.01%). This variant has not been reported in the literature in individuals affected with GABRD-related conditions. ClinVar contains an entry for this variant (Variation ID: 859701). An algorithm developed to predict the effect of missense changes on protein structure and function (PolyPhen-2) suggests that this variant is likely to be tolerated. In summary, the available evidence is currently insufficient to determine the role of this variant in disease. Therefore, it has been classified as a Variant of Uncertain Significance.

NM_000815.5(GABRD):c.1151C>T (p.Pro384Leu)

Gene: GABRD (gamma-aminobutyric acid type A receptor subunit delta; plus strand). Cytogenetic location: 1p36.33.
Variant type: single nucleotide variant.
Coding change: c.1151C>T on transcript NM_000815.5 (MANE Select); coding-DNA position 1151, C replaced by T.
Protein change: p.Pro384Leu; replaces proline 384 with leucine.
Molecular consequence: missense variant.
Genome position (GRCh38, 1-based): chr1:2,030,074, C>T. VCF-style: chr1-2030074-C-T. GRCh37 (hg19) VCF-style: chr1-1961513-C-T.
Other names: short protein forms P384L.
Identifiers: ClinVar variation 859701 (VCV000859701.7), dbSNP rs764066786, ClinGen allele CA534931.
Genomic context (GRCh38, chr1:2,030,074, plus strand): 5'-CCCTCTCTGCTGCCGGCGTCACGCAGGAGCTGGCCATCTCCCGCCGGCAGCGCCGCGTCC[C>T]GGGGAACCTGATGGGCTCCTACAGGTCGGTGGGGGTGGAGACAGGGGAGACGAAGAAGGA-3'
Protein context (NP_000806.2, residues 374-394): LAISRRQRRV[Pro384Leu]GNLMGSYRSV